The following is an entry in ClinVar:

NM_001267550.2(TTN):c.85326C>T (p.Ala28442=)

Genes: TTN (titin; minus strand), TTN-AS1 (TTN antisense RNA 1; plus strand). Cytogenetic location: 2q31.2.
Variant type: single nucleotide variant.
Coding change: c.85326C>T on transcript NM_001267550.2 (MANE Select); coding-DNA position 85326, C replaced by T.
Protein change: p.Ala28442=; no amino-acid change (alanine 28442 retained).
Molecular consequence: synonymous variant.
Genome position (GRCh38, 1-based): chr2:178,560,806, G>A on the plus strand (C>T on the coding strand, the complement: TTN is on the minus strand). VCF-style: chr2-178560806-G-A. GRCh37 (hg19) VCF-style: chr2-179425533-G-A.
Other names: c.80403C>T, p.Ala26801= (NM_001256850.1); c.58131C>T, p.Ala19377= (NM_003319.4); c.77622C>T, p.Ala25874= (NM_133378.4); c.58506C>T, p.Ala19502= (NM_133432.3); c.58707C>T, p.Ala19569= (NM_133437.4).
Identifiers: ClinVar variation 696551 (VCV000696551.13), dbSNP rs765915556, ClinGen allele CA1988659.
Genomic context (GRCh38, chr2:178,560,806, plus strand): 5'-GCCATTTATTTCAAGTGGTCCTGCTGGTGGACCAGGCTTATCAAGTACTTTGCAATTAAC[G>A]GCCACAGACCGAGTGCCGGCAACATTCTTCAGTGTTAGTACATATTGCCCAGTGTCTCGT-3'
Protein context (NP_001254479.2, residues 28432-28452): LKNVAGTRSV[Ala28442=]VNCKVLDKPG

ClinVar aggregate classification (germline): Likely benign. Review status: criteria provided, multiple submitters, no conflicts (2 of 4 stars). 4 submissions from 4 submitters: Likely benign (4). Last evaluated 2025-12-08.

Conditions:
Cardiomyopathy (CMYO). Also called: Cardiomyopathies. Identifiers: Orphanet 167848, MedGen C0878544, MONDO:0004994, HP:0001638. Inheritance: Various modes of inheritance.
TTN-related disorder. Also called: TTN-related disorders; TTN-related condition; TTN-related disease.
Dilated cardiomyopathy 1G (CMD1G). Identifiers: Orphanet 154, MedGen C1858763, MONDO:0011400, OMIM 604145.
Autosomal recessive limb-girdle muscular dystrophy type 2J (LGMDR10). Also called: MUSCULAR DYSTROPHY, LIMB-GIRDLE, AUTOSOMAL RECESSIVE 10; Limb-girdle muscular dystrophy, type 2J. Identifiers: Orphanet 140922, MedGen C1837342, MONDO:0012127, OMIM 608807.
Cardiovascular phenotype. Identifiers: MedGen CN230736.

Allele frequency attached by ClinVar (database versions not stated): ExAC 0.00001; gnomAD 0.00001; TOPMed 0.00001; gnomAD exomes 0.00002 and 0.00004.
gnomAD v4.1: 59 of 1,613,504 alleles (0.0037%); highest among the groups gnomAD compares: East Asian, 0.02%; no homozygotes.

Submissions (4):

Labcorp Genetics (formerly Invitae), Labcorp
Classification: Likely benign for Dilated cardiomyopathy 1G; Autosomal recessive limb-girdle muscular dystrophy type 2J. Last evaluated: 2025-12-08. Review status: criteria provided, single submitter. Criteria: Invitae Variant Classification Sherloc (09022015). Collection method: clinical testing. Allele origin: germline.

PreventionGenetics, part of Exact Sciences
Classification: Likely benign for TTN-related condition. Last evaluated: 2025-08-19. Review status: criteria provided, single submitter. Criteria: ACMG Guidelines, 2015. Collection method: clinical testing. Allele origin: germline.
Comment: This variant is classified as likely benign based on ACMG/AMP sequence variant interpretation guidelines (Richards et al. 2015 PMID: 25741868, with internal and published modifications).

Ambry Genetics
Classification: Likely benign for Cardiovascular phenotype. Last evaluated: 2023-05-04. Review status: criteria provided, single submitter. Criteria: Ambry Variant Classification Scheme 2023. Collection method: clinical testing. Allele origin: germline.

CHEO Genetics Diagnostic Laboratory, Children's Hospital of Eastern Ontario
Classification: Likely benign for Cardiomyopathy. Last evaluated: 2018-07-06. Review status: criteria provided, single submitter. Criteria: ACMG Guidelines, 2015. Collection method: clinical testing. Allele origin: germline.